The following is an entry in ClinVar:

NM_000426.4(LAMA2):c.6997C>G (p.Gln2333Glu)

Gene: LAMA2 (laminin subunit alpha 2; plus strand). Cytogenetic location: 6q22.33.
Variant type: single nucleotide variant.
Coding change: c.6997C>G on transcript NM_000426.4 (MANE Select); coding-DNA position 6997, C replaced by G.
Protein change: p.Gln2333Glu; replaces glutamine 2333 with glutamic acid.
Molecular consequence: missense variant.
Genome position (GRCh38, 1-based): chr6:129,464,294, C>G. VCF-style: chr6-129464294-C-G. GRCh37 (hg19) VCF-style: chr6-129785439-C-G.
Other names: c.6997C>G, p.Gln2333Glu (NM_001079823.2); short protein forms Q2333E.
Identifiers: ClinVar variation 2180494 (VCV002180494.1), dbSNP rs749875919, ClinGen allele CA3994418.
Genomic context (GRCh38, chr6:129,464,294, plus strand): 5'-ATAATGACAGACTGAATAGATATGATCTGATTCATGTGAAATGTCTCTCTTCTCAGTCCT[C>G]AGGTGGAAGATAGTGAGGGGACTATTCAATTTGATGGAGAAGGTTATGCATTGGTCAGCC-3'
Protein context (NP_000417.3, residues 2323-2343): GDCKGCTVSP[Gln2333Glu]VEDSEGTIQF

ClinVar aggregate classification (germline): Uncertain significance (1 of 4 stars; one submission).

Conditions:
LAMA2-related muscular dystrophy (LAMA2-RD). Also called: Laminin alpha 2-related dystrophy. Identifiers: MedGen C5679788, MONDO:0100228.

Allele frequency attached by ClinVar (database versions not stated): ExAC 0.00001; gnomAD 0.00001; gnomAD exomes 0.00002.
gnomAD v4.1: 24 of 1,611,326 alleles (0.0015%); highest among the groups gnomAD compares: Non-Finnish European, 0.0018%; no homozygotes.

Submission:

Labcorp Genetics (formerly Invitae), Labcorp
Classification: Uncertain significance for LAMA2-related muscular dystrophy. Last evaluated: 2022-01-04. Review status: criteria provided, single submitter. Criteria: Invitae Variant Classification Sherloc (09022015). Collection method: clinical testing. Allele origin: germline.
Comment: This sequence change replaces glutamine, which is neutral and polar, with glutamic acid, which is acidic and polar, at codon 2333 of the LAMA2 protein (p.Gln2333Glu). This variant is present in population databases (rs749875919, gnomAD 0.004%). This variant has not been reported in the literature in individuals affected with LAMA2-related conditions. Advanced modeling of protein sequence and biophysical properties (such as structural, functional, and spatial information, amino acid conservation, physicochemical variation, residue mobility, and thermodynamic stability) performed at Invitae indicates that this missense variant is not expected to disrupt LAMA2 protein function. In summary, the available evidence is currently insufficient to determine the role of this variant in disease. Therefore, it has been classified as a Variant of Uncertain Significance.